The following is an entry in ClinVar:

ClinVar aggregate classification (germline): Uncertain significance (1 of 4 stars; one submission).

Allele frequency attached by ClinVar (database versions not stated): gnomAD exomes below 0.00001.
gnomAD v4.1: 1 of 1,579,412 alleles (0.000063%); no homozygotes.

Submission:

Labcorp Genetics (formerly Invitae), Labcorp
Classification: Uncertain significance. Last evaluated: 2022-07-27. Review status: criteria provided, single submitter. Criteria: Invitae Variant Classification Sherloc (09022015). Collection method: clinical testing. Allele origin: germline.
Comment: This sequence change falls in intron 10 of the IFT74 gene. It does not directly change the encoded amino acid sequence of the IFT74 protein. It affects a nucleotide within the consensus splice site. This variant is not present in population databases (gnomAD no frequency). In summary, the available evidence is currently insufficient to determine the role of this variant in disease. Therefore, it has been classified as a Variant of Uncertain Significance. Variants that disrupt the consensus splice site are a relatively common cause of aberrant splicing (PMID: 17576681, 9536098). Algorithms developed to predict the effect of sequence changes on RNA splicing suggest that this variant is not likely to affect RNA splicing. This variant has not been reported in the literature in individuals affected with IFT74-related conditions.

Literature cited by the submitters: PubMed 17576681; PubMed 9536098.

NM_025103.4(IFT74):c.789+3A>G

Gene: IFT74 (intraflagellar transport 74; plus strand). Cytogenetic location: 9p21.2.
Variant type: single nucleotide variant.
Coding change: c.789+3A>G on transcript NM_025103.4 (MANE Select); 3 bases into the intron after coding-DNA position 789, A replaced by G.
Molecular consequence: intron variant.
Genome position (GRCh38, 1-based): chr9:27,011,971, A>G. VCF-style: chr9-27011971-A-G. GRCh37 (hg19) VCF-style: chr9-27011969-A-G.
Other names: c.789+3A>G (NM_001099223.3, NM_001099222.3, NM_001349928.2 and 1 more transcripts).
Identifiers: ClinVar variation 2129748 (VCV002129748.4), dbSNP rs2489446668, ClinGen allele CA2580080341.